The following is an entry in ClinVar:

ClinVar aggregate classification (germline): Uncertain significance (1 of 4 stars; one submission).

Conditions:
Malignant hyperthermia, susceptibility to, 1 (MHS1). Also called: Anesthesia related hyperthermia; Malignant hyperpyrexia; Fulminating hyperpyrexia; Pharmacogenic myopathy; Malignant hyperthermia suceptibility 1; RYR1-Related Malignant Hyperthermia Susceptibility. Identifiers: Orphanet 423, MedGen C2930980, MONDO:0007783, OMIM 145600.

Submission:

All of Us Research Program, National Institutes of Health
Classification: Uncertain significance for Malignant hyperthermia, susceptibility to, 1. Last evaluated: 2024-05-09. Review status: criteria provided, single submitter. Criteria: ACMG Guidelines, 2015. Collection method: clinical testing. Allele origin: germline. Inheritance: Autosomal dominant inheritance. Observed: 1 variant allele, 1 heterozygote.
Comment: This study involves interpretation of variants in research participants for the purpose of population health screening. Participant phenotype was not available at the time of variant classification. Additional details can be found in publication PMID: 35346344, PMCID: PMC8962531

NM_000540.3(RYR1):c.14311T>C (p.Ser4771Pro)

Gene: RYR1 (ryanodine receptor 1; plus strand). Cytogenetic location: 19q13.2.
Variant type: single nucleotide variant.
Coding change: c.14311T>C on transcript NM_000540.3 (MANE Select); coding-DNA position 14311, T replaced by C.
Protein change: p.Ser4771Pro; replaces serine 4771 with proline.
Molecular consequence: missense variant.
Genome position (GRCh38, 1-based): chr19:38,578,151, T>C. VCF-style: chr19-38578151-T-C. GRCh37 (hg19) VCF-style: chr19-39068791-T-C.
Other names: c.14296T>C, p.Ser4766Pro (NM_001042723.2); short protein forms S4766P, S4771P.
Identifiers: ClinVar variation 3385621 (VCV003385621.1).